The following is an entry in ClinVar:

ClinVar aggregate classification (germline): Likely benign. Review status: criteria provided, multiple submitters, no conflicts (2 of 4 stars). 3 submissions from 3 submitters: Likely benign (2). 1 of the submissions does not count toward it. Last evaluated 2025-05-05.

Conditions:
JAG1-related disorder. Also called: JAG1-related condition; JAG1-related disorders.
Alagille syndrome due to a JAG1 point mutation. Also called: HEPATIC DUCTULAR HYPOPLASIA, SYNDROMATIC; Alagille Syndrome 1; JAG1-Related Alagille Syndrome. Identifiers: Orphanet 261619, Orphanet 52, MedGen C1956125, MONDO:0016862, OMIM 118450.
Cardiovascular phenotype. Identifiers: MedGen CN230736.

Allele frequency attached by ClinVar (database versions not stated): 1000 Genomes Project 0.00020; 1000 Genomes Project 30x 0.00031.
gnomAD v4.1: 26 of 1,613,986 alleles (0.0016%); highest among the groups gnomAD compares: South Asian, 0.021%; no homozygotes.

Submissions (3):

Labcorp Genetics (formerly Invitae), Labcorp
Classification: Likely benign for Alagille syndrome due to a JAG1 point mutation. Last evaluated: 2025-05-05. Review status: criteria provided, single submitter. Criteria: Invitae Variant Classification Sherloc (09022015). Collection method: clinical testing. Allele origin: germline.

Ambry Genetics
Classification: Likely benign for Cardiovascular phenotype. Last evaluated: 2024-02-09. Review status: criteria provided, single submitter. Criteria: Ambry Variant Classification Scheme 2023. Collection method: clinical testing. Allele origin: germline.

PreventionGenetics, part of Exact Sciences
Classification: Likely benign for JAG1-related condition. Last evaluated: 2021-08-23. Review status: no assertion criteria provided. Collection method: clinical testing. Allele origin: germline. Not counted in ClinVar's aggregate classification.
Comment: This variant is classified as likely benign based on ACMG/AMP sequence variant interpretation guidelines (Richards et al. 2015 PMID: 25741868, with internal and published modifications).

NM_000214.3(JAG1):c.3651C>A (p.Ile1217=)

Gene: JAG1 (jagged canonical Notch ligand 1; minus strand). Cytogenetic location: 20p12.2.
Variant type: single nucleotide variant.
Coding change: c.3651C>A on transcript NM_000214.3 (MANE Select); coding-DNA position 3651, C replaced by A.
Protein change: p.Ile1217=; no amino-acid change (isoleucine 1217 retained).
Molecular consequence: synonymous variant.
Genome position (GRCh38, 1-based): chr20:10,639,504, G>T on the plus strand (C>A on the coding strand, the complement: JAG1 is on the minus strand). VCF-style: chr20-10639504-G-T. GRCh37 (hg19) VCF-style: chr20-10620152-G-T.
Identifiers: ClinVar variation 3036992 (VCV003036992.4), dbSNP rs542831744, ClinGen allele CA9764167.